The following is an entry in ClinVar:

ClinVar aggregate classification (germline): Likely benign. Review status: criteria provided, multiple submitters, no conflicts (2 of 4 stars). 3 submissions from 3 submitters: Likely benign (3). Last evaluated 2024-10-09.

Conditions:
Carney complex, type 1 (CNC1). Also called: CARNEY COMPLEX, TYPE I; CARNEY MYXOMA-ENDOCRINE COMPLEX. Identifiers: Orphanet 1359, MedGen C2607929, MONDO:0008057, OMIM 160980.
Hereditary cancer-predisposing syndrome. Also called: Neoplastic Syndromes, Hereditary; Hereditary Cancer Syndrome; Tumor predisposition; Hereditary neoplastic syndrome. Identifiers: Orphanet 140162, MedGen C0027672, MeSH D009386, MONDO:0015356.

Allele frequency attached by ClinVar (database versions not stated): gnomAD 0.00001; TOPMed 0.00001.
gnomAD v4.1: 1 of 1,613,884 alleles (0.000062%); highest among the groups gnomAD compares: African/African-American, 0.0013%; no homozygotes.

Submissions (3):

Labcorp Genetics (formerly Invitae), Labcorp
Classification: Likely benign for Carney complex, type 1. Last evaluated: 2024-10-09. Review status: criteria provided, single submitter. Criteria: Invitae Variant Classification Sherloc (09022015). Collection method: clinical testing. Allele origin: germline.

Women's Health and Genetics/Laboratory Corporation of America, LabCorp
Classification: Likely benign. Last evaluated: 2022-02-10. Review status: criteria provided, single submitter. Criteria: LabCorp Variant Classification Summary - May 2015. Collection method: clinical testing. Allele origin: germline.
Comment: Variant summary: PRKAR1A c.813G>A alters a conserved nucleotide resulting in a synonymous change. 4/4 computational tools predict no significant impact on normal splicing. However, these predictions have yet to be confirmed by functional studies. The variant was absent in 282738 control chromosomes (gnomAD). The available data on variant occurrences in the general population are insufficient to allow any conclusion about variant significance. To our knowledge, no occurrence of c.813G>A in individuals affected with Carney Complex and no experimental evidence demonstrating its impact on protein function have been reported. One ClinVar submitters has assessed the variant since 2014: the variant was classified as likely benign. Based on the evidence outlined above, the variant was classified as likely benign.

Ambry Genetics
Classification: Likely benign for Hereditary cancer-predisposing syndrome. Last evaluated: 2019-12-05. Review status: criteria provided, single submitter. Criteria: Ambry Variant Classification Scheme 2023. Collection method: clinical testing. Allele origin: germline.

NM_002734.5(PRKAR1A):c.813G>A (p.Leu271=)

Gene: PRKAR1A (protein kinase cAMP-dependent type I regulatory subunit alpha; plus strand). Cytogenetic location: 17q24.2.
Variant type: single nucleotide variant.
Coding change: c.813G>A on transcript NM_002734.5 (MANE Select); coding-DNA position 813, G replaced by A.
Protein change: p.Leu271=; no amino-acid change (leucine 271 retained).
Molecular consequence: synonymous variant.
Genome position (GRCh38, 1-based): chr17:68,528,913, G>A. VCF-style: chr17-68528913-G-A. GRCh37 (hg19) VCF-style: chr17-66525054-G-A.
Other names: c.813G>A, p.Leu271= (NM_001276289.2, NM_001276290.1, NM_001278433.2 and 4 more transcripts).
Identifiers: ClinVar variation 929214 (VCV000929214.13), dbSNP rs1325106678, ClinGen allele CA501528055.
Genomic context (GRCh38, chr17:68,528,913, plus strand): 5'-TGATTCTTGTCTTTCAGAGTCTCTGGACAAGTGGGAACGTCTTACGGTAGCTGATGCATT[G>A]GAACCAGTGCAGTTTGAAGATGGGCAGAAGATTGTGGTGCAGGGAGAACCAGGGGATGAG-3'
Protein context (NP_002725.1, residues 261-281): KWERLTVADA[Leu271=]EPVQFEDGQK